The following is an entry in ClinVar:

NM_182961.4(SYNE1):c.17903_17906delinsT (p.Tyr5968_Gln5969delinsLeu)

Gene: SYNE1 (spectrin repeat containing nuclear envelope protein 1; minus strand). Cytogenetic location: 6q25.2.
Variant type: Indel.
Coding change: c.17903_17906delinsT on transcript NM_182961.4 (MANE Select); coding-DNA positions 17903 to 17906, ACCA replaced by T.
Protein change: p.Tyr5968_Gln5969delinsLeu.
Molecular consequence: inframe indel.
Genome position (GRCh38, 1-based): chr6:152,293,694-152,293,697, TGGT replaced by A on the plus strand (ACCA replaced by T on the coding strand, the reverse complement: SYNE1 is on the minus strand). VCF-style: chr6-152293694-TGGT-A. GRCh37 (hg19) VCF-style: chr6-152614829-TGGT-A.
Other names: c.17690_17693delinsT, p.Tyr5897_Gln5898delinsLeu (NM_033071.5).
Identifiers: ClinVar variation 1311492 (VCV001311492.2), dbSNP rs1467646427, ClinGen allele CA2573052616.

ClinVar aggregate classification (germline): Uncertain significance (1 of 4 stars; one submission).

Submission:

GeneDx
Classification: Uncertain significance. Last evaluated: 2019-12-17. Review status: criteria provided, single submitter. Criteria: GeneDx Variant Classification Process June 2021. Collection method: clinical testing. Allele origin: germline. Affected: yes.
Comment: Not observed at a significant frequency in large population cohorts (Lek et al., 2016); In-frame deletion of 2 amino acids and insertion of 1 amino acid in a non-repeat region; In silico analysis, which includes protein predictors and evolutionary conservation, supports a deleterious effect; In silico analysis, which includes splice predictors and evolutionary conservation, suggests this variant may impact gene splicing. In the absence of RNA/functional studies, the actual effect of this sequence changes is unknown.; Has not been previously published as pathogenic or benign to our knowledge